The following is an entry in ClinVar:

NM_001080449.3(DNA2):c.2044G>A (p.Val682Ile)

Gene: DNA2 (DNA replication helicase/nuclease 2; minus strand). Cytogenetic location: 10q21.3.
Variant type: single nucleotide variant.
Coding change: c.2044G>A on transcript NM_001080449.3 (MANE Select); coding-DNA position 2044, G replaced by A.
Protein change: p.Val682Ile; replaces valine 682 with isoleucine.
Molecular consequence: missense variant.
Genome position (GRCh38, 1-based): chr10:68,430,600, C>T on the plus strand (G>A on the coding strand, the complement: DNA2 is on the minus strand). VCF-style: chr10-68430600-C-T. GRCh37 (hg19) VCF-style: chr10-70190357-C-T.
Other names: short protein forms V682I.
Identifiers: ClinVar variation 3250879 (VCV003250879.19), dbSNP rs754204967.

ClinVar aggregate classification (germline): Uncertain significance. Review status: criteria provided, multiple submitters, no conflicts (2 of 4 stars). 2 submissions from 2 submitters: Uncertain significance (2). Last evaluated 2025-12-15.

Allele frequency attached by ClinVar (database versions not stated): ExAC 0.00001; gnomAD exomes 0.00001.
gnomAD v4.1: 11 of 1,607,472 alleles (0.00068%); highest among the groups gnomAD compares: South Asian, 0.012%; no homozygotes.

Submissions (2):

Labcorp Genetics (formerly Invitae), Labcorp
Classification: Uncertain significance. Last evaluated: 2025-12-15. Review status: criteria provided, single submitter. Criteria: Invitae Variant Classification Sherloc (09022015). Collection method: clinical testing. Allele origin: germline.
Comment: This sequence change replaces valine, which is neutral and non-polar, with isoleucine, which is neutral and non-polar, at codon 682 of the DNA2 protein (p.Val682Ile). This variant is present in population databases (rs754204967, gnomAD 0.01%). This variant has not been reported in the literature in individuals affected with DNA2-related conditions. ClinVar contains an entry for this variant (Variation ID: 3250879). Invitae Evidence Modeling of protein sequence and biophysical properties (such as structural, functional, and spatial information, amino acid conservation, physicochemical variation, residue mobility, and thermodynamic stability) has been performed for this missense variant. However, the output from this modeling did not meet the statistical confidence thresholds required to predict the impact of this variant on DNA2 protein function. In summary, the available evidence is currently insufficient to determine the role of this variant in disease. Therefore, it has been classified as a Variant of Uncertain Significance.

CeGaT Center for Human Genetics Tuebingen
Classification: Uncertain significance. Last evaluated: 2024-06-01. Review status: criteria provided, single submitter. Criteria: CeGaT Center For Human Genetics Tuebingen Variant Classification Criteria Version 2. Collection method: clinical testing. Allele origin: germline. Affected: yes. Observed: 1 variant allele.
Comment: DNA2: PM2